The following is an entry in ClinVar:

ClinVar aggregate classification (germline): Uncertain significance (1 of 4 stars; one submission).

Conditions:
Nephrotic syndrome, type 9 (NPHS9). Identifiers: Orphanet 656, MedGen C3809965, MONDO:0014257, OMIM 615573.

Allele frequency attached by ClinVar (database versions not stated): gnomAD exomes below 0.00001.
gnomAD v4.1: 2 of 1,612,100 alleles (0.00012%); highest among the groups gnomAD compares: African/African-American, 0.0013%; no homozygotes.

Submission:

3billion
Classification: Uncertain significance for Nephrotic syndrome, type 9. Last evaluated: 2023-02-23. Review status: criteria provided, single submitter. Criteria: ACMG Guidelines, 2015. Collection method: clinical testing. Allele origin: unknown. Affected: yes.
Comment: The variant is not observed in the gnomAD v2.1.1 dataset. In silico tool predictions suggest damaging effect of the variant on gene or gene product (REVEL: 0.79; 3Cnet: 0.99). Therefore, this variant is classified as VUS according to the recommendation of ACMG/AMP guideline.

NM_024876.4(COQ8B):c.853T>C (p.Cys285Arg)

Gene: COQ8B (coenzyme Q8B; minus strand). Cytogenetic location: 19q13.2.
Variant type: single nucleotide variant.
Coding change: c.853T>C on transcript NM_024876.4 (MANE Select); coding-DNA position 853, T replaced by C.
Protein change: p.Cys285Arg; replaces cysteine 285 with arginine.
Molecular consequence: missense variant.
Genome position (GRCh38, 1-based): chr19:40,702,640, A>G on the plus strand (T>C on the coding strand, the complement: COQ8B is on the minus strand). VCF-style: chr19-40702640-A-G. GRCh37 (hg19) VCF-style: chr19-41208545-A-G.
Other names: c.730T>C, p.Cys244Arg (NM_001142555.3); short protein forms C244R, C285R.
Identifiers: ClinVar variation 2444099 (VCV002444099.1), dbSNP rs1364194758, ClinGen allele CA405961745.